The following is an entry in ClinVar:

NM_004787.4(SLIT2):c.226G>C (p.Ala76Pro)

Gene: SLIT2 (slit guidance ligand 2; plus strand). Cytogenetic location: 4p15.31.
Variant type: single nucleotide variant.
Coding change: c.226G>C on transcript NM_004787.4 (MANE Select); coding-DNA position 226, G replaced by C.
Protein change: p.Ala76Pro; replaces alanine 76 with proline.
Molecular consequence: missense variant.
Genome position (GRCh38, 1-based): chr4:20,256,718, G>C. VCF-style: chr4-20256718-G-C. GRCh37 (hg19) VCF-style: chr4-20258341-G-C.
Other names: c.226G>C, p.Ala76Pro (NM_001289135.3, NM_001289136.3); short protein forms A76P.
Identifiers: ClinVar variation 2804699 (VCV002804699.3), dbSNP rs1711888312, ClinGen allele CA356506513.

ClinVar aggregate classification (germline): Uncertain significance (1 of 4 stars; one submission).

gnomAD v4.1: 2 of 1,568,346 alleles (0.00013%); highest among the groups gnomAD compares: South Asian, 0.0023%; no homozygotes.

Submission:

Labcorp Genetics (formerly Invitae), Labcorp
Classification: Uncertain significance. Last evaluated: 2023-02-03. Review status: criteria provided, single submitter. Criteria: Invitae Variant Classification Sherloc (09022015). Collection method: clinical testing. Allele origin: germline.
Comment: This sequence change replaces alanine, which is neutral and non-polar, with proline, which is neutral and non-polar, at codon 76 of the SLIT2 protein (p.Ala76Pro). This variant is not present in population databases (gnomAD no frequency). This variant has not been reported in the literature in individuals affected with SLIT2-related conditions. Algorithms developed to predict the effect of missense changes on protein structure and function are either unavailable or do not agree on the potential impact of this missense change (SIFT: "Tolerated"; PolyPhen-2: "Probably Damaging"; Align-GVGD: "Class C0"). In summary, the available evidence is currently insufficient to determine the role of this variant in disease. Therefore, it has been classified as a Variant of Uncertain Significance.